The following is an entry in ClinVar:

NM_001352514.2(HLCS):c.1276G>T (p.Glu426Ter)

Gene: HLCS (holocarboxylase synthetase; minus strand). Cytogenetic location: 21q22.13.
Variant type: single nucleotide variant.
Coding change: c.1276G>T on transcript NM_001352514.2 (MANE Select); coding-DNA position 1276, G replaced by T.
Protein change: p.Glu426Ter; replaces glutamic acid 426 with a stop codon.
Molecular consequence: nonsense. On other transcripts: non-coding transcript variant (2).
Genome position (GRCh38, 1-based): chr21:36,936,610, C>A on the plus strand (G>T on the coding strand, the complement: HLCS is on the minus strand). VCF-style: chr21-36936610-C-A. GRCh37 (hg19) VCF-style: chr21-38308910-C-A.
Other names: c.835G>T, p.Glu279Ter (NM_000411.8, NM_001242784.3, NM_001242785.2 and 4 more transcripts); short protein forms E279*, E426*.
Identifiers: ClinVar variation 1725057 (VCV001725057.2), dbSNP rs751093392, ClinGen allele CA409912196.

ClinVar aggregate classification (germline): Likely pathogenic (1 of 4 stars; one submission).

Conditions:
Holocarboxylase synthetase deficiency. Also called: MULTIPLE CARBOXYLASE DEFICIENCY, EARLY ONSET. Identifiers: Orphanet 79242, MedGen C0268581, MONDO:0009666, OMIM 253270.

Submission:

Myriad Genetics, Inc.
Classification: Likely pathogenic for Holocarboxylase synthetase deficiency. Last evaluated: 2022-03-06. Review status: criteria provided, single submitter. Criteria: Myriad Women's Health Autosomal Recessive and X-Linked Classification Criteria (2021). Collection method: clinical testing. Allele origin: unknown.
Comment: NM_000411.6(HLCS):c.835G>T(E279*) is expected to be pathogenic in the context of holocarboxylase synthetase deficiency. This variant is predicted to lead to an abnormal or absent protein product due to the creation of a premature termination codon in HLCS, a gene where loss-of-function variants are known to be pathogenic. Please note: this variant was assessed in the context of healthy population screening.